The following is an entry in ClinVar:

NM_006648.4(WNK2):c.2855C>T (p.Pro952Leu)

Gene: WNK2 (WNK lysine deficient protein kinase 2; plus strand). Cytogenetic location: 9q22.31.
Variant type: single nucleotide variant.
Coding change: c.2855C>T on transcript NM_006648.4 (MANE Select); coding-DNA position 2855, C replaced by T.
Protein change: p.Pro952Leu; replaces proline 952 with leucine.
Molecular consequence: missense variant.
Genome position (GRCh38, 1-based): chr9:93,259,403, C>T. VCF-style: chr9-93259403-C-T. GRCh37 (hg19) VCF-style: chr9-96021685-C-T.
Other names: c.2855C>T, p.Pro952Leu (NM_001282394.3); short protein forms P952L.
Identifiers: ClinVar variation 5031998 (VCV005031998.1).

ClinVar aggregate classification (germline): Uncertain significance (1 of 4 stars; one submission).

Submission:

Ambry Genetics
Classification: Uncertain significance. Last evaluated: 2026-09-14. Review status: criteria provided, single submitter. Criteria: Ambry Variant Classification Scheme 2023. Collection method: clinical testing. Allele origin: germline.
Comment: The p.P952L variant (also known as c.2855C>T), located in coding exon 11 of the WNK2 gene, results from a C to T substitution at nucleotide position 2855. The proline at codon 952 is replaced by leucine, an amino acid with similar properties. This amino acid position is conserved. In addition, this alteration is predicted to be tolerated by in silico analysis. Based on the available evidence, the clinical significance of this variant remains unclear.